The following is an entry in ClinVar:

ClinVar aggregate classification (germline): Uncertain significance. Review status: criteria provided, multiple submitters, no conflicts (2 of 4 stars). 2 submissions from 2 submitters: Uncertain significance (2). Last evaluated 2025-08-21.

Conditions:
Spastic paraplegia. Identifiers: MedGen C0037772, HP:0001258.

Allele frequency attached by ClinVar (database versions not stated): gnomAD exomes 0.00003; gnomAD 0.00004; TOPMed 0.00004; ExAC 0.00006; 1000 Genomes Project 30x 0.00016; 1000 Genomes Project 0.00020.

Submissions (2):

Ambry Genetics
Classification: Uncertain significance. Last evaluated: 2025-08-21. Review status: criteria provided, single submitter. Criteria: Ambry Variant Classification Scheme 2023. Collection method: clinical testing. Allele origin: germline.

Labcorp Genetics (formerly Invitae), Labcorp
Classification: Uncertain significance for Spastic paraplegia. Last evaluated: 2022-09-15. Review status: criteria provided, single submitter. Criteria: Invitae Variant Classification Sherloc (09022015). Collection method: clinical testing. Allele origin: germline.
Comment: This sequence change replaces arginine, which is basic and polar, with glutamine, which is neutral and polar, at codon 221 of the ZFYVE27 protein (p.Arg221Gln). This variant is present in population databases (rs565246137, gnomAD 0.009%). This variant has not been reported in the literature in individuals affected with ZFYVE27-related conditions. Algorithms developed to predict the effect of missense changes on protein structure and function are either unavailable or do not agree on the potential impact of this missense change (SIFT: "Tolerated"; PolyPhen-2: "Possibly Damaging"; Align-GVGD: "Class C0"). In summary, the available evidence is currently insufficient to determine the role of this variant in disease. Therefore, it has been classified as a Variant of Uncertain Significance.

NM_001385875.1(ZFYVE27):c.662G>A (p.Arg221Gln)

Gene: ZFYVE27 (zinc finger FYVE-type containing 27; plus strand). Cytogenetic location: 10q24.2.
Variant type: single nucleotide variant.
Coding change: c.662G>A on transcript NM_001385875.1 (MANE Select); coding-DNA position 662, G replaced by A.
Protein change: p.Arg221Gln; replaces arginine 221 with glutamine.
Molecular consequence: missense variant. On other transcripts: non-coding transcript variant (15), intron variant (1).
Genome position (GRCh38, 1-based): chr10:97,749,584, G>A. VCF-style: chr10-97749584-G-A. GRCh37 (hg19) VCF-style: chr10-99509341-G-A.
Other names: c.662G>A, p.Arg221Gln (NM_001002261.4, NM_001002262.4, NM_001385871.1 and 8 more transcripts); c.566G>A, p.Arg189Gln (NM_001174119.2, NM_001385885.1, NM_001385886.1 and 3 more transcripts); c.404G>A, p.Arg135Gln (NM_001174120.2, NM_001385901.1, NM_001385902.1 and 3 more transcripts); c.368G>A, p.Arg123Gln (NM_001174121.2, NM_001385915.1); c.308G>A, p.Arg103Gln (NM_001174122.2, NM_001385918.1); c.701G>A, p.Arg234Gln (NM_001385876.1); c.626G>A, p.Arg209Gln (NM_001385881.1); c.458G>A, p.Arg153Gln (NM_001385890.1, NM_001385891.1, NM_001385892.1 and 6 more transcripts); and 3 more; short protein forms R123Q, R189Q, R209Q, R221Q, R103Q, R110Q, R135Q, R153Q.
Identifiers: ClinVar variation 2082254 (VCV002082254.6), dbSNP rs565246137, ClinGen allele CA5635238.